The following is an entry in ClinVar:

NM_000535.7(PMS2):c.2109G>T (p.Thr703=)

Gene: PMS2 (PMS1 homolog 2, mismatch repair system component; minus strand). Cytogenetic location: 7p22.1.
Variant type: single nucleotide variant.
Coding change: c.2109G>T on transcript NM_000535.7 (MANE Select); coding-DNA position 2109, G replaced by T.
Protein change: p.Thr703=; no amino-acid change (threonine 703 retained).
Molecular consequence: synonymous variant. On other transcripts: non-coding transcript variant (1), intron variant (4).
Genome position (GRCh38, 1-based): chr7:5,982,889, C>A on the plus strand (G>T on the coding strand, the complement: PMS2 is on the minus strand). VCF-style: chr7-5982889-C-A. GRCh37 (hg19) VCF-style: chr7-6022520-C-A.
Other names: c.1704G>T, p.Thr568= (NM_001018040.1, NM_001322003.2, NM_001322004.2 and 15 more transcripts); c.1953G>T, p.Thr651= (NM_001322006.2, NM_001406870.1); c.1791G>T, p.Thr597= (NM_001322007.2, NM_001322008.2, NM_001406876.1 and 1 more transcripts); c.1548G>T, p.Thr516= (NM_001322010.2, NM_001406906.1, NM_001406907.1); c.1176G>T, p.Thr392= (NM_001322011.2, NM_001322012.2); c.1536G>T, p.Thr512= (NM_001322013.2, NM_001406909.1); c.2109G>T, p.Thr703= (NM_001322014.2, NM_001406871.1); c.1800G>T, p.Thr600= (NM_001322015.2, NM_001406875.1, NM_001406877.1 and 5 more transcripts); and 16 more.
Identifiers: ClinVar variation 1985422 (VCV001985422.5), dbSNP rs775355718, ClinGen allele CA453643219.
Genomic context (GRCh38, chr7:5,982,889, plus strand): 5'-GAGCCTCTGCCCCTGGAGCACGGTGTGCTGCTGCAGCATCTCGAAGTTATACTTCTCGTC[C>A]GTGGCATGCTGGTCCACTATGAAGATATCCTCATTCAGTTTGGTTATTATAAATCCCAGG-3'
Protein context (NP_000526.2, residues 693-713): EDIFIVDQHA[Thr703=]DEKYNFEMLQ

ClinVar aggregate classification (germline): Benign/Likely benign. Review status: criteria provided, multiple submitters, no conflicts (2 of 4 stars). 2 submissions from 2 submitters: Benign (1); Likely benign (1). Last evaluated 2025-02-03.

Conditions:
Lynch syndrome 4 (LYNCH4). Also called: Colorectal cancer, hereditary nonpolyposis, type 4; Hereditary non-polyposis colorectal cancer, type 4. Identifiers: Orphanet 144, MedGen C1838333, MONDO:0013699, OMIM 614337. Disease mechanism: loss of function.
Hereditary nonpolyposis colorectal neoplasms. Identifiers: MedGen C0009405, MeSH D003123.

gnomAD v4.1: 1 of 1,603,498 alleles (0.000062%); highest among the groups gnomAD compares: Non-Finnish European, 0.000085%; no homozygotes.

Submissions (2):

Myriad Genetics, Inc.
Classification: Benign for Lynch syndrome 4. Last evaluated: 2025-02-03. Review status: criteria provided, single submitter. Criteria: Myriad Autosomal Dominant, Autosomal Recessive and X-Linked Classification Criteria (2023). Collection method: clinical testing. Allele origin: unknown.
Comment: This variant is considered benign. This variant is a silent/synonymous amino acid change and it is not expected to impact splicing.

Labcorp Genetics (formerly Invitae), Labcorp
Classification: Likely benign for Hereditary nonpolyposis colorectal neoplasms. Last evaluated: 2023-09-17. Review status: criteria provided, single submitter. Criteria: Invitae Variant Classification Sherloc (09022015). Collection method: clinical testing. Allele origin: germline.